The following is an entry in ClinVar:

NM_001165963.4(SCN1A):c.1539del (p.Glu514fs)

Gene: SCN1A (sodium voltage-gated channel alpha subunit 1; minus strand). Cytogenetic location: 2q24.3.
Variant type: Deletion.
Coding change: c.1539del on transcript NM_001165963.4 (MANE Select); coding-DNA position 1539, one base deleted (A; older notation c.1539delA).
Protein change: p.Glu514fs; shifts the reading frame from glutamic acid 514.
Molecular consequence: frameshift variant. On other transcripts: 5 prime UTR variant (1), non-coding transcript variant (1).
Genome position (GRCh38, 1-based): chr2:166,045,166, T deleted on the plus strand (A on the coding strand, the reverse complement: SCN1A is on the minus strand); the first of 2 consecutive T bases (chr2:166,045,166-166,045,167); deleting either gives the same sequence. VCF-style (leftmost placement, unchanged base first): chr2-166045165-CT-C. GRCh37 (hg19) VCF-style: chr2-166901675-CT-C.
Other names: c.1539del, p.Glu514fs (NM_001165964.3, NM_001202435.3, NM_001353948.2 and 7 more transcripts); c.1536del, p.Glu513fs (NM_001353954.2, NM_001353955.2, NM_001353960.2); c.-887del (NM_001353961.2); short protein forms E514fs, E513fs.
Identifiers: ClinVar variation 657792 (VCV000657792.9), dbSNP rs1574224274, ClinGen allele CA915942900.

ClinVar aggregate classification (germline): Pathogenic (1 of 4 stars; one submission).

Conditions:
Early-infantile DEE. Also called: Early infantile epileptic encephalopathy; Ohtahara syndrome; Early infantile epileptic encephalopathy with suppression bursts. Identifiers: Orphanet 1934, MedGen C0393706, MONDO:0800491.

Submission:

Labcorp Genetics (formerly Invitae), Labcorp
Classification: Pathogenic for Early-infantile DEE. Last evaluated: 2018-11-08. Review status: criteria provided, single submitter. Criteria: Invitae Variant Classification Sherloc (09022015). Collection method: clinical testing. Allele origin: germline.
Comment: This variant is not present in population databases (ExAC no frequency). This sequence change creates a premature translational stop signal (p.Glu514Argfs*30) in the SCN1A gene. It is expected to result in an absent or disrupted protein product. This variant has been observed in an individual affected with Dravet syndrome (PMID: 25108116). For these reasons, this variant has been classified as Pathogenic. Loss-of-function variants in SCN1A are known to be pathogenic (PMID: 17347258, 18930999).

Literature cited by the submitters: PubMed 25108116; PubMed 17347258; PubMed 18930999.